The following is an entry in ClinVar:

ClinVar aggregate classification (germline): Uncertain significance (1 of 4 stars; one submission).

Conditions:
Hereditary cancer-predisposing syndrome. Also called: Hereditary Cancer Syndrome; Hereditary neoplastic syndrome; Neoplastic Syndromes, Hereditary; Tumor predisposition. Identifiers: Orphanet 140162, MedGen C0027672, MeSH D009386, MONDO:0015356.

Submission:

Ambry Genetics
Classification: Uncertain significance for Hereditary cancer-predisposing syndrome. Last evaluated: 2021-08-19. Review status: criteria provided, single submitter. Criteria: Ambry Variant Classification Scheme 2023. Collection method: clinical testing. Allele origin: germline.
Comment: The p.N440S variant (also known as c.1319A>G), located in coding exon 10 of the NBN gene, results from an A to G substitution at nucleotide position 1319. The asparagine at codon 440 is replaced by serine, an amino acid with highly similar properties. This amino acid position is conserved. In addition, this alteration is predicted to be tolerated by in silico analysis. Since supporting evidence is limited at this time, the clinical significance of this alteration remains unclear.

NM_002485.5(NBN):c.1319A>G (p.Asn440Ser)

Gene: NBN (nibrin; minus strand). Cytogenetic location: 8q21.3.
Variant type: single nucleotide variant.
Coding change: c.1319A>G on transcript NM_002485.5 (MANE Select); coding-DNA position 1319, A replaced by G.
Protein change: p.Asn440Ser; replaces asparagine 440 with serine.
Molecular consequence: missense variant.
Genome position (GRCh38, 1-based): chr8:89,955,361, T>C on the plus strand (A>G on the coding strand, the complement: NBN is on the minus strand). VCF-style: chr8-89955361-T-C. GRCh37 (hg19) VCF-style: chr8-90967589-T-C.
Other names: c.1073A>G, p.Asn358Ser (NM_001024688.3); short protein forms N440S, N358S.
Identifiers: ClinVar variation 1769842 (VCV001769842.2), dbSNP rs1287344038, ClinGen allele CA371656126.